The following is an entry in ClinVar:

ClinVar aggregate classification (germline): Uncertain significance (1 of 4 stars; one submission).

Conditions:
Inborn genetic diseases. Identifiers: MedGen C0950123, MeSH D030342.

Submission:

Ambry Genetics
Classification: Uncertain significance for Inborn genetic diseases. Last evaluated: 2021-09-16. Review status: criteria provided, single submitter. Criteria: Ambry Variant Classification Scheme 2023. Collection method: clinical testing. Allele origin: germline.
Comment: The p.A190V variant (also known as c.569C>T), located in coding exon 6 of the MDH2 gene, results from a C to T substitution at nucleotide position 569. The alanine at codon 190 is replaced by valine, an amino acid with similar properties. This amino acid position is conserved. In addition, the in silico prediction for this alteration is inconclusive. Since supporting evidence is limited at this time, the clinical significance of this alteration remains unclear.

NM_005918.4(MDH2):c.569C>T (p.Ala190Val)

Gene: MDH2 (malate dehydrogenase 2; plus strand). Cytogenetic location: 7q11.23.
Variant type: single nucleotide variant.
Coding change: c.569C>T on transcript NM_005918.4 (MANE Select); coding-DNA position 569, C replaced by T.
Protein change: p.Ala190Val; replaces alanine 190 with valine.
Molecular consequence: missense variant.
Genome position (GRCh38, 1-based): chr7:76,063,528, C>T. VCF-style: chr7-76063528-C-T. GRCh37 (hg19) VCF-style: chr7-75692846-C-T.
Other names: c.443C>T, p.Ala148Val (NM_001282403.2); c.248C>T, p.Ala83Val (NM_001282404.2); short protein forms A190V, A148V, A83V.
Identifiers: ClinVar variation 1749126 (VCV001749126.2), dbSNP rs2535869548, ClinGen allele CA367766573.